The following is an entry in ClinVar:

NM_020911.2(PLXNA4):c.858G>A (p.Glu286=)

Gene: PLXNA4 (plexin A4; minus strand). Cytogenetic location: 7q32.3.
Variant type: single nucleotide variant.
Coding change: c.858G>A on transcript NM_020911.2 (MANE Select); coding-DNA position 858, G replaced by A.
Protein change: p.Glu286=; no amino-acid change (glutamic acid 286 retained).
Molecular consequence: synonymous variant.
Genome position (GRCh38, 1-based): chr7:132,507,836, C>T on the plus strand (G>A on the coding strand, the complement: PLXNA4 is on the minus strand). VCF-style: chr7-132507836-C-T. GRCh37 (hg19) VCF-style: chr7-132192595-C-T.
Other names: c.858G>A, p.Glu286= (NM_001105543.2, NM_001393897.1, NM_181775.4).
Identifiers: ClinVar variation 3357159 (VCV003357159.1).
Genomic context (GRCh38, chr7:132,507,836, plus strand): 5'-CTCCACCCCACTGCGCTCACAGCCAATGGGCACCTCTACATAGGAGTTGAAGGCTGTGTC[C>T]TCCTTGCAAAGCCTCACGAGCTTGGATGTATACACCTGCTCCTTGGTGGTGGAGCCTGGT-3'
Protein context (NP_065962.1, residues 276-296): YTSKLVRLCK[Glu286=]DTAFNSYVEV

ClinVar aggregate classification (germline): Likely benign (0 of 4 stars; one submission).

Conditions:
PLXNA4-related disorder. Also called: PLXNA4-related condition.

gnomAD v4.1: 21 of 1,614,168 alleles (0.0013%); highest among the groups gnomAD compares: Middle Eastern, 0.049%; no homozygotes.

Submission:

PreventionGenetics, part of Exact Sciences
Classification: Likely benign for PLXNA4-related condition. Last evaluated: 2021-10-07. Review status: no assertion criteria provided. Collection method: clinical testing. Allele origin: germline.
Comment: This variant is classified as likely benign based on ACMG/AMP sequence variant interpretation guidelines (Richards et al. 2015 PMID: 25741868, with internal and published modifications).